The following is an entry in ClinVar:

ClinVar aggregate classification (germline): Uncertain significance. Review status: criteria provided, multiple submitters, no conflicts (2 of 4 stars). 2 submissions from 2 submitters: Uncertain significance (2). Last evaluated 2024-01-12.

Conditions:
Hereditary cancer-predisposing syndrome. Also called: Neoplastic Syndromes, Hereditary; Tumor predisposition; Hereditary Cancer Syndrome; Hereditary neoplastic syndrome. Identifiers: Orphanet 140162, MedGen C0027672, MeSH D009386, MONDO:0015356.
Ataxia-telangiectasia-like disorder (ATLD). Identifiers: MedGen C1858391, MONDO:0011457.

Allele frequency attached by ClinVar (database versions not stated): gnomAD 0.00001.
gnomAD v4.1: 9 of 1,613,794 alleles (0.00056%); highest among the groups gnomAD compares: African/African-American, 0.0013%; no homozygotes.

Submissions (2):

Ambry Genetics
Classification: Uncertain significance for Hereditary cancer-predisposing syndrome. Last evaluated: 2024-01-12. Review status: criteria provided, single submitter. Criteria: Ambry Variant Classification Scheme 2023. Collection method: clinical testing. Allele origin: germline.
Comment: The p.Y369C variant (also known as c.1106A>G), located in coding exon 10 of the MRE11A gene, results from an A to G substitution at nucleotide position 1106. The tyrosine at codon 369 is replaced by cysteine, an amino acid with highly dissimilar properties. This amino acid position is highly conserved in available vertebrate species. In addition, this alteration is predicted to be deleterious by in silico analysis. Since supporting evidence is limited at this time, the clinical significance of this alteration remains unclear.

Labcorp Genetics (formerly Invitae), Labcorp
Classification: Uncertain significance for Ataxia-telangiectasia-like disorder. Last evaluated: 2021-08-30. Review status: criteria provided, single submitter. Criteria: Invitae Variant Classification Sherloc (09022015). Collection method: clinical testing. Allele origin: germline.
Comment: This sequence change replaces tyrosine with cysteine at codon 369 of the MRE11 protein (p.Tyr369Cys). The tyrosine residue is highly conserved and there is a large physicochemical difference between tyrosine and cysteine. This variant is present in population databases (rs746283923, ExAC 0.01%). This variant has not been reported in the literature in individuals affected with MRE11-related conditions. ClinVar contains an entry for this variant (Variation ID: 231298). Algorithms developed to predict the effect of missense changes on protein structure and function (SIFT, PolyPhen-2, Align-GVGD) all suggest that this variant is likely to be disruptive. In summary, the available evidence is currently insufficient to determine the role of this variant in disease. Therefore, it has been classified as a Variant of Uncertain Significance.

NM_005591.4(MRE11):c.1106A>G (p.Tyr369Cys)

Gene: MRE11 (MRE11 double strand break repair nuclease; minus strand). Cytogenetic location: 11q21.
Variant type: single nucleotide variant.
Coding change: c.1106A>G on transcript NM_005591.4 (MANE Select); coding-DNA position 1106, A replaced by G.
Protein change: p.Tyr369Cys; replaces tyrosine 369 with cysteine.
Molecular consequence: missense variant.
Genome position (GRCh38, 1-based): chr11:94,464,232, T>C on the plus strand (A>G on the coding strand, the complement: MRE11 is on the minus strand). VCF-style: chr11-94464232-T-C. GRCh37 (hg19) VCF-style: chr11-94197398-T-C.
Other names: c.1106A>G, p.Tyr369Cys (NM_001330347.2, NM_005590.4); short protein forms Y369C.
Identifiers: ClinVar variation 231298 (VCV000231298.12), dbSNP rs746283923, ClinGen allele CA6235150.